The following is an entry in ClinVar:

NM_000083.3(CLCN1):c.2403+5G>A

Gene: CLCN1 (chloride voltage-gated channel 1; plus strand). Cytogenetic location: 7q34.
Variant type: single nucleotide variant.
Coding change: c.2403+5G>A on transcript NM_000083.3 (MANE Select); 5 bases into the intron after coding-DNA position 2403, G replaced by A.
Molecular consequence: intron variant.
Genome position (GRCh38, 1-based): chr7:143,346,954, G>A. VCF-style: chr7-143346954-G-A. GRCh37 (hg19) VCF-style: chr7-143044047-G-A.
Identifiers: ClinVar variation 432056 (VCV000432056.9), dbSNP rs1474520642, ClinGen allele CA578446025.

ClinVar aggregate classification (germline): Likely pathogenic. Review status: criteria provided, multiple submitters, no conflicts (2 of 4 stars). 2 submissions from 2 submitters: Likely pathogenic (2). Last evaluated 2024-02-08.

Conditions:
Congenital myotonia, autosomal recessive form. Also called: myotonia congenita, autosomal recessive; BECKER DISEASE; Becker Generalized Myotonia. Identifiers: Orphanet 614, MedGen C0751360, MONDO:0009715, OMIM 255700.
Congenital myotonia, autosomal dominant form (THD). Also called: THOMSEN DISEASE; Myotonia congenita autosomal dominant. Identifiers: Orphanet 614, MedGen C2936781, MONDO:0008055, OMIM 160800.

Allele frequency attached by ClinVar (database versions not stated): gnomAD exomes below 0.00001 and 0.00001.
gnomAD v4.1: 2 of 1,610,732 alleles (0.00012%); highest among the groups gnomAD compares: Admixed American, 0.0033%; no homozygotes.

Submissions (2):

Labcorp Genetics (formerly Invitae), Labcorp
Classification: Likely pathogenic for Congenital myotonia, autosomal recessive form; Congenital myotonia, autosomal dominant form. Last evaluated: 2024-02-08. Review status: criteria provided, single submitter. Criteria: Invitae Variant Classification Sherloc (09022015). Collection method: clinical testing. Allele origin: germline.
Comment: This sequence change falls in intron 20 of the CLCN1 gene. It does not directly change the encoded amino acid sequence of the CLCN1 protein. It affects a nucleotide within the consensus splice site. This variant is present in population databases (no rsID available, gnomAD 0.006%). This variant has been observed in individual(s) with clinical features of myotonia congenita (Invitae; external communication). In at least one individual the data is consistent with being in trans (on the opposite chromosome) from a pathogenic variant. ClinVar contains an entry for this variant (Variation ID: 432056). Variants that disrupt the consensus splice site are a relatively common cause of aberrant splicing (PMID: 17576681, 9536098). Algorithms developed to predict the effect of sequence changes on RNA splicing suggest that this variant may disrupt the consensus splice site. In summary, the currently available evidence indicates that the variant is pathogenic, but additional data are needed to prove that conclusively. Therefore, this variant has been classified as Likely Pathogenic.

GeneDx
Classification: Likely pathogenic. Last evaluated: 2016-01-25. Review status: criteria provided, single submitter. Criteria: GeneDx Variant Classification (06012015). Collection method: clinical testing. Allele origin: germline. Affected: yes.
Comment: Although the c.1266+2 T>C variant has not been reported as a pathogenic variant or as a benign variant to our knowledge, it destroys the canonical splice donor site in intron 10 and is predicted to cause abnormal gene splicing. This variant is predicted to lead to either an abnormal message that is subject to nonsense-mediated mRNA decay, or to an abnormal protein product if the message is used for protein translation. Other splice site variants in the DSP gene have been reported in HGMD in association with cardiomyopathy (Stenson et al., 2014). Furthermore, the c.1266+2 T>C variant was not observed in approximately 6,500 individuals of European and African American ancestry in the NHLBI Exome Sequencing Project, indicating it is not a common benign variant in these populations.In summary, c.1266+2 T>C in the DSP gene is expected to be pathogenic

Literature cited by the submitters: PubMed 17576681 (cited by Labcorp Genetics (formerly Invitae), Labcorp); PubMed 9536098 (cited by Labcorp Genetics (formerly Invitae), Labcorp).